The following is an entry in ClinVar:

NM_000094.4(COL7A1):c.214G>C (p.Ala72Pro)

Gene: COL7A1 (collagen type VII alpha 1 chain; minus strand). Cytogenetic location: 3p21.31.
Variant type: single nucleotide variant.
Coding change: c.214G>C on transcript NM_000094.4 (MANE Select); coding-DNA position 214, G replaced by C.
Protein change: p.Ala72Pro; replaces alanine 72 with proline.
Molecular consequence: missense variant.
Genome position (GRCh38, 1-based): chr3:48,594,420, C>G on the plus strand (G>C on the coding strand, the complement: COL7A1 is on the minus strand). VCF-style: chr3-48594420-C-G. GRCh37 (hg19) VCF-style: chr3-48631853-C-G.
Other names: short protein forms A72P.
Identifiers: ClinVar variation 2964038 (VCV002964038.3), dbSNP rs2531364518, ClinGen allele CA352749404.

ClinVar aggregate classification (germline): Uncertain significance (1 of 4 stars; one submission).

Submission:

Labcorp Genetics (formerly Invitae), Labcorp
Classification: Uncertain significance. Last evaluated: 2024-11-05. Review status: criteria provided, single submitter. Criteria: Invitae Variant Classification Sherloc (09022015). Collection method: clinical testing. Allele origin: germline.
Comment: This sequence change replaces alanine, which is neutral and non-polar, with proline, which is neutral and non-polar, at codon 72 of the COL7A1 protein (p.Ala72Pro). This variant is not present in population databases (gnomAD no frequency). This variant has not been reported in the literature in individuals affected with COL7A1-related conditions. ClinVar contains an entry for this variant (Variation ID: 2964038). Invitae Evidence Modeling of protein sequence and biophysical properties (such as structural, functional, and spatial information, amino acid conservation, physicochemical variation, residue mobility, and thermodynamic stability) indicates that this missense variant is not expected to disrupt COL7A1 protein function with a negative predictive value of 95%. In summary, the available evidence is currently insufficient to determine the role of this variant in disease. Therefore, it has been classified as a Variant of Uncertain Significance.